The following is an entry in ClinVar:

ClinVar aggregate classification (germline): Likely benign (0 of 4 stars; one submission).

Conditions:
MTPAP-related disorder. Also called: MTPAP-related condition.

Submission:

PreventionGenetics, part of Exact Sciences
Classification: Likely benign for MTPAP-related condition. Last evaluated: 2019-09-12. Review status: no assertion criteria provided. Collection method: clinical testing. Allele origin: germline.
Comment: This variant is classified as likely benign based on ACMG/AMP sequence variant interpretation guidelines (Richards et al. 2015 PMID: 25741868, with internal and published modifications).

NM_018109.3(MTPAP):c.-5_-4insTTA

Genes: MTPAP (mitochondrial poly(A) polymerase; minus strand), LOC130003598 (ATAC-STARR-seq lymphoblastoid active region 3207; plus strand). Cytogenetic location: 10p11.23.
Variant type: Insertion.
Coding change: c.-5_-4insTTA on transcript NM_018109.3; 5 bases upstream of the start codon through 4 bases upstream of the start codon, TTA inserted.
Genome position: GRCh38 VCF-style: chr10-30349279-T-TTAA. GRCh37 (hg19) VCF-style: chr10-30638208-T-TTAA.
Identifiers: ClinVar variation 3039920 (VCV003039920.2), dbSNP rs1554819200, ClinGen allele CA2574524333.